The following is an entry in ClinVar:

NM_017780.4(CHD7):c.538C>T (p.Gln180Ter)

Gene: CHD7 (chromodomain helicase DNA binding protein 7; plus strand). Cytogenetic location: 8q12.2.
Variant type: single nucleotide variant.
Coding change: c.538C>T on transcript NM_017780.4 (MANE Select); coding-DNA position 538, C replaced by T.
Protein change: p.Gln180Ter; replaces glutamine 180 with a stop codon.
Molecular consequence: nonsense.
Genome position (GRCh38, 1-based): chr8:60,741,970, C>T. VCF-style: chr8-60741970-C-T. GRCh37 (hg19) VCF-style: chr8-61654529-C-T.
Other names: c.538C>T, p.Gln180Ter (NM_001316690.1); short protein forms Q180*.
Identifiers: ClinVar variation 618017 (VCV000618017.11), dbSNP rs1563560149, ClinGen allele CA371297859.

ClinVar aggregate classification (germline): Pathogenic. Review status: criteria provided, multiple submitters, no conflicts (2 of 4 stars). 2 submissions from 2 submitters: Pathogenic (2). Last evaluated 2020-11-16.

Conditions:
CHARGE syndrome (CHARGE). Also called: Coloboma, heart anomaly, choanal atresia, retardation, genital and ear anomalies; CHARGE association; Hall-Hittner syndrome; Hittner Hirsch Kreh syndrome; CHARGE ASSOCIATION--COLOBOMA, HEART ANOMALY, CHOANAL ATRESIA, RETARDATION, GENITAL AND EAR ANOMALIES. Identifiers: Orphanet 138, MedGen C0265354, MONDO:0008965.

Submissions (2):

Illumina Laboratory Services, Illumina
Classification: Pathogenic for CHARGE syndrome. Last evaluated: 2020-11-16. Review status: criteria provided, single submitter. Criteria: ICSLVariantClassificationCriteria RUGD 01 April 2020. Collection method: clinical testing. Allele origin: unknown.
Comment: The CHD7 c.538C>T (p.Gln180Ter) variant is a stop-gained variant that is predicted to result in a premature termination or absence of the protein. The p.Gln180Ter variant has been reported in at least two studies, in which it is found in a heterozygous state in two individuals with CHARGE syndrome. In both these individuals the variant was identified in a de novo state (Lalani et al. 2006; Busa et al. 2016). The p.Gln180Ter variant is not found in the Genome Aggregation Database in a region of good sequence coverage, so the variant is presumed to be rare. Based on the predicted truncating nature of the variant, its identification in a de novo state, and its rarity, the p.Gln180Ter variant is classified as pathogenic for CHD7 disorder.

ARUP Laboratories, Molecular Genetics and Genomics, ARUP Laboratories
Classification: Pathogenic. Last evaluated: 2018-04-22. Review status: criteria provided, single submitter. Criteria: ARUP Molecular Germline Variant Investigation Process. Collection method: clinical testing. Allele origin: germline.
Comment: The CHD7 c.538C>T; p.Gln180Ter variant is reported in the literature as a de novo variant in CHARGE syndrome patients (Busa 2016, Lalani 2006), and it is absent from the general population databases (1000 Genomes Project, Exome Variant Server, and Genome Aggregation Database). This variant induces an early termination codon and is predicted to result in a truncated protein or mRNA subject to nonsense-mediated decay. Based on available information, this variant is considered to be pathogenic. REFERENCES Busa T et al. Prenatal findings in children with early postnatal diagnosis of CHARGE syndrome. Prenat Diagn. 2016 Jun;36(6):561-7. Lalani SR et al. Spectrum of CHD7 mutations in 110 individuals with CHARGE syndrome and genotype-phenotype correlation. Am J Hum Genet. 2006 Feb;78(2):303-14.

Literature cited by the submitters: PubMed 16400610 (cited by Illumina Laboratory Services, Illumina); PubMed 27061523 (cited by Illumina Laboratory Services, Illumina).